The following is an entry in ClinVar:

NM_001376.5(DYNC1H1):c.12869G>A (p.Gly4290Glu)

Gene: DYNC1H1 (dynein cytoplasmic 1 heavy chain 1; plus strand). Cytogenetic location: 14q32.31.
Variant type: single nucleotide variant.
Coding change: c.12869G>A on transcript NM_001376.5 (MANE Select); coding-DNA position 12869, G replaced by A.
Protein change: p.Gly4290Glu; replaces glycine 4290 with glutamic acid.
Molecular consequence: missense variant.
Genome position (GRCh38, 1-based): chr14:102,044,458, G>A. VCF-style: chr14-102044458-G-A. GRCh37 (hg19) VCF-style: chr14-102510795-G-A.
Other names: short protein forms G4290E.
Identifiers: ClinVar variation 472513 (VCV000472513.12), dbSNP rs1555412242, ClinGen allele CA391044241.
Genomic context (GRCh38, chr14:102,044,458, plus strand): 5'-AGCGCCTGTTCACAACCAGGAGTTTCGACAGTGAGTTTAAGCTGGCATGCAAGGTCGACG[G>A]ACATAAAGACATTCAAATGCCAGATGGCATCAGGTATGCTGCTGCCTGCTGGAATGGAGA-3'
Protein context (NP_001367.2, residues 4280-4300): SEFKLACKVD[Gly4290Glu]HKDIQMPDGI

ClinVar aggregate classification (germline): Conflicting classifications of pathogenicity. Review status: criteria provided, conflicting classifications (1 of 4 stars). 3 submissions from 3 submitters: Uncertain significance (2); Likely benign (1). Last evaluated 2025-04-20.

Conditions:
Inborn genetic diseases. Identifiers: MedGen C0950123, MeSH D030342.
Charcot-Marie-Tooth disease axonal type 2O. Also called: CHARCOT-MARIE-TOOTH NEUROPATHY, AXONAL, TYPE 2O; CHARCOT-MARIE-TOOTH DISEASE, AXONAL, AUTOSOMAL DOMINANT, TYPE 2O; Charcot-Marie-Tooth Neuropathy Type 2O; Charcot-Marie-Tooth disease, axonal, type 20. Identifiers: Orphanet 284232, MedGen C3280220, MONDO:0013644, OMIM 614228.

Allele frequency attached by ClinVar (database versions not stated): gnomAD exomes below 0.00001.
gnomAD v4.1: 3 of 1,614,198 alleles (0.00019%); highest among the groups gnomAD compares: Non-Finnish European, 0.00025%; no homozygotes.

Submissions (3):

Labcorp Genetics (formerly Invitae), Labcorp
Classification: Likely benign for Charcot-Marie-Tooth disease axonal type 2O. Last evaluated: 2025-04-20. Review status: criteria provided, single submitter. Criteria: Invitae Variant Classification Sherloc (09022015). Collection method: clinical testing. Allele origin: germline.

GeneDx
Classification: Uncertain significance. Last evaluated: 2022-04-21. Review status: criteria provided, single submitter. Criteria: GeneDx Variant Classification Process June 2021. Collection method: clinical testing. Allele origin: germline. Affected: yes.
Comment: Not observed at significant frequency in large population cohorts (gnomAD); In silico analysis supports that this missense variant has a deleterious effect on protein structure/function; Has not been previously published as pathogenic or benign to our knowledge; This variant is associated with the following publications: (PMID: 25512093, 26100331, 25609763)

Ambry Genetics
Classification: Uncertain significance for Inborn genetic diseases. Last evaluated: 2020-09-28. Review status: criteria provided, single submitter. Criteria: Ambry Variant Classification Scheme 2023. Collection method: clinical testing. Allele origin: germline.
Comment: The p.G4290E variant (also known as c.12869G>A), located in coding exon 71 of the DYNC1H1 gene, results from a G to A substitution at nucleotide position 12869. The glycine at codon 4290 is replaced by glutamic acid, an amino acid with similar properties. This amino acid position is highly conserved in available vertebrate species. In addition, the in silico prediction for this alteration is inconclusive. Since supporting evidence is limited at this time, the clinical significance of this alteration remains unclear.